The following is an entry in ClinVar:

NM_000091.5(COL4A3):c.4235G>T (p.Gly1412Val)

Genes: COL4A3 (collagen type IV alpha 3 chain; plus strand), MFF-DT (MFF divergent transcript; minus strand). Cytogenetic location: 2q36.3.
Variant type: single nucleotide variant.
Coding change: c.4235G>T on transcript NM_000091.5 (MANE Select); coding-DNA position 4235, G replaced by T.
Protein change: p.Gly1412Val; replaces glycine 1412 with valine.
Molecular consequence: missense variant.
Genome position (GRCh38, 1-based): chr2:227,305,066, G>T. VCF-style: chr2-227305066-G-T. GRCh37 (hg19) VCF-style: chr2-228169782-G-T.
Other names: short protein forms G1412V.
Identifiers: ClinVar variation 870362 (VCV000870362.8), dbSNP rs2073446714, ClinGen allele CA350863945.
Genomic context (GRCh38, chr2:227,305,066, plus strand): 5'-AGCCAGGCAAGGATGGAAAACCAGGAACTCCTGGACCAGCTGGAGAAAAAGGCAACAAAG[G>T]TTCTAAAGGAGAGCCAGGTAAACCCCCAGCTTGTTTCCTCACCGAAGAAGTGCTATTTCG-3'
Protein context (NP_000082.2, residues 1402-1422): PGPAGEKGNK[Gly1412Val]SKGEPGPAGS

ClinVar aggregate classification (germline): Pathogenic/Likely pathogenic. Review status: criteria provided, multiple submitters, no conflicts (2 of 4 stars). 7 submissions from 7 submitters: Pathogenic (5); Likely pathogenic (2). Last evaluated 2026-01-26.

Conditions:
Alport syndrome 3b, autosomal recessive. Identifiers: MedGen C5882699, MONDO:0957811, OMIM 620536.
Autosomal dominant Alport syndrome (ATS3A). Also called: Alport syndrome dominant type; Renal failure and sensorineural hearing loss; ALPORT SYNDROME 3A, AUTOSOMAL DOMINANT. Identifiers: Orphanet 63, Orphanet 88918, MedGen C5882663, MONDO:0007086, OMIM 104200.
Benign familial hematuria. Also called: thin basement membrane disease. Identifiers: MedGen C0241908, MONDO:0957317.
Alport syndrome. Also called: Hemorrhagic familial nephritis; Hemorrhagic hereditary nephritis; Congenital hereditary hematuria. Identifiers: Orphanet 63, MedGen C1567741, MONDO:0018965.
Hematuria, benign familial, 2 (BFH2). Identifiers: MedGen C5830421, MONDO:0958186, OMIM 620320.

Submissions (7):

Medical and Scientific Branch, Hong Kong Genome Institute
Classification: Likely pathogenic for Autosomal dominant Alport syndrome. Last evaluated: 2026-01-26. Review status: criteria provided, single submitter. Criteria: ACMG Guidelines, 2015. Collection method: clinical testing. Allele origin: unknown. Affected: yes.

Labcorp Genetics (formerly Invitae), Labcorp
Classification: Pathogenic. Last evaluated: 2025-12-15. Review status: criteria provided, single submitter. Criteria: Invitae Variant Classification Sherloc (09022015). Collection method: clinical testing. Allele origin: germline.
Comment: This sequence change replaces glycine, which is neutral and non-polar, with valine, which is neutral and non-polar, at codon 1412 of the COL4A3 protein (p.Gly1412Val). This variant is not present in population databases (gnomAD no frequency). This missense change has been observed in individuals with clinical features of Alport syndrome (PMID: 14582039, 33369211, 35090027; internal data). ClinVar contains an entry for this variant (Variation ID: 870362). Invitae Evidence Modeling of protein sequence and biophysical properties (such as structural, functional, and spatial information, amino acid conservation, physicochemical variation, residue mobility, and thermodynamic stability) indicates that this missense variant is expected to disrupt COL4A3 protein function with a positive predictive value of 95%. This variant disrupts the p.Gly1412 amino acid residue in COL4A3. Other variant(s) that disrupt this residue have been observed in individuals with COL4A3-related conditions (PMID: 14582039, 33369211, 35090027, 36925663), which suggests that this may be a clinically significant amino acid residue. For these reasons, this variant has been classified as Pathogenic.

Natera, Inc.
Classification: Pathogenic for Alport syndrome. Last evaluated: 2025-09-02. Review status: criteria provided, single submitter. Criteria: Natera Variant Classification Schema (03/2026). Collection method: clinical testing. Allele origin: germline.
Comment: The c.4235G>T variant in COL4A3 is a missense variant predicted to cause substitution of glycine to valine at amino acid 1412. This variant is rare in the general population with a frequency below the threshold expected for the associated phenotype(s). This variant has been observed in affected individual(s) with monoallelic occurrence (heterozygous/hemizygous) (PMID: 33369211, 35090027, 36013122, 38514012, 39810285). This variant has been observed to segregate in affected family members (PMID: 26277931, 33369211). This variant is located in a functionally critical region of the protein. Computational prediction algorithms indicate this variant is likely to affect gene or protein function. Given the available evidence, this variant is classified as Pathogenic.

Fulgent Genetics
Classification: Pathogenic for Autosomal dominant Alport syndrome; Hematuria, benign familial, 2; Alport syndrome 3b, autosomal recessive. Last evaluated: 2024-01-09. Review status: criteria provided, single submitter. Criteria: ACMG Guidelines, 2015. Collection method: clinical testing. Allele origin: germline.

Medical Genetics, University of Parma
Classification: Pathogenic for Autosomal dominant Alport syndrome; Hematuria, benign familial, 1. Last evaluated: 2020-03-11. Review status: criteria provided, single submitter. Criteria: ACMG Guidelines, 2015. Collection method: clinical testing. Allele origin: germline. Affected: yes.

Clinical Genetics Service, Universitary Hospital 12 de Octubre
Classification: Pathogenic for Alport syndrome 3b, autosomal recessive. Review status: criteria provided, single submitter. Criteria: ACMG Guidelines, 2015. Collection method: clinical testing. Allele origin: maternal. Affected: yes.

Juno Genomics, Hangzhou Juno Genomics, Inc
Classification: Likely pathogenic for Autosomal dominant Alport syndrome. Review status: criteria provided, single submitter. Criteria: ACMG Guidelines, 2015. Collection method: clinical testing. Allele origin: germline.
Comment: Absent from controls (or at extremely low frequency if recessive) in Genome Aggregation Database.;Multiple lines of computational evidence support a deleterious effect on the gene or gene product.;The prevalence of the variant in affected individuals is significantly increased compared to the prevalence in controls.

Literature cited by the submitters: PubMed 14582039 (cited by Labcorp Genetics (formerly Invitae), Labcorp); PubMed 33369211 (cited by Labcorp Genetics (formerly Invitae), Labcorp and Natera, Inc.); PubMed 35090027 (cited by Labcorp Genetics (formerly Invitae), Labcorp and Natera, Inc.); PubMed 36925663 (cited by Labcorp Genetics (formerly Invitae), Labcorp); PubMed 36013122 (cited by Natera, Inc.); PubMed 38514012 (cited by Natera, Inc.); PubMed 39810285 (cited by Natera, Inc.); PubMed 26277931 (cited by Natera, Inc.).